The following is an entry in ClinVar:

ClinVar aggregate classification (germline): Uncertain significance (1 of 4 stars; one submission).

Allele frequency attached by ClinVar (database versions not stated): gnomAD 0.00001; gnomAD exomes 0.00001; ExAC 0.00002.
gnomAD v4.1: 23 of 1,614,128 alleles (0.0014%); highest among the groups gnomAD compares: East Asian, 0.047%; no homozygotes.

Submission:

Labcorp Genetics (formerly Invitae), Labcorp
Classification: Uncertain significance. Last evaluated: 2022-11-15. Review status: criteria provided, single submitter. Criteria: Invitae Variant Classification Sherloc (09022015). Collection method: clinical testing. Allele origin: germline.
Comment: In summary, the available evidence is currently insufficient to determine the role of this variant in disease. Therefore, it has been classified as a Variant of Uncertain Significance. Advanced modeling of protein sequence and biophysical properties (such as structural, functional, and spatial information, amino acid conservation, physicochemical variation, residue mobility, and thermodynamic stability) performed at Invitae indicates that this missense variant is expected to disrupt DLX5 protein function. This variant has not been reported in the literature in individuals affected with DLX5-related conditions. This variant is present in population databases (rs376488297, gnomAD 0.04%). This sequence change replaces glutamic acid, which is acidic and polar, with glutamine, which is neutral and polar, at codon 166 of the DLX5 protein (p.Glu166Gln).

NM_005221.6(DLX5):c.496G>C (p.Glu166Gln)

Gene: DLX5 (distal-less homeobox 5; minus strand). Cytogenetic location: 7q21.3.
Variant type: single nucleotide variant.
Coding change: c.496G>C on transcript NM_005221.6 (MANE Select); coding-DNA position 496, G replaced by C.
Protein change: p.Glu166Gln; replaces glutamic acid 166 with glutamine.
Molecular consequence: missense variant.
Genome position (GRCh38, 1-based): chr7:97,022,229, C>G on the plus strand (G>C on the coding strand, the complement: DLX5 is on the minus strand). VCF-style: chr7-97022229-C-G. GRCh37 (hg19) VCF-style: chr7-96651541-C-G.
Other names: short protein forms E166Q.
Identifiers: ClinVar variation 2174670 (VCV002174670.4), dbSNP rs376488297, ClinGen allele CA4354008.